The following is an entry in ClinVar:

ClinVar aggregate classification (germline): Uncertain significance. Review status: criteria provided, multiple submitters, no conflicts (2 of 4 stars). 2 submissions from 2 submitters: Uncertain significance (2). Last evaluated 2024-02-15.

Allele frequency attached by ClinVar (database versions not stated): gnomAD exomes 0.00001.

Submissions (2):

Labcorp Genetics (formerly Invitae), Labcorp
Classification: Uncertain significance. Last evaluated: 2024-02-15. Review status: criteria provided, single submitter. Criteria: Invitae Variant Classification Sherloc (09022015). Collection method: clinical testing. Allele origin: germline.
Comment: This sequence change replaces lysine, which is basic and polar, with glutamic acid, which is acidic and polar, at codon 136 of the POLE protein (p.Lys136Glu). This variant is not present in population databases (gnomAD no frequency). This variant has not been reported in the literature in individuals affected with POLE-related conditions. ClinVar contains an entry for this variant (Variation ID: 1312102). Advanced modeling of protein sequence and biophysical properties (such as structural, functional, and spatial information, amino acid conservation, physicochemical variation, residue mobility, and thermodynamic stability) performed at Invitae indicates that this missense variant is expected to disrupt POLE protein function with a positive predictive value of 80%. In summary, the available evidence is currently insufficient to determine the role of this variant in disease. Therefore, it has been classified as a Variant of Uncertain Significance.

GeneDx
Classification: Uncertain significance. Last evaluated: 2019-09-04. Review status: criteria provided, single submitter. Criteria: GeneDx Variant Classification Process June 2021. Collection method: clinical testing. Allele origin: germline. Affected: yes.
Comment: Not observed in large population cohorts (Lek 2016); In silico analysis, which includes protein predictors and evolutionary conservation, supports a deleterious effect; Has not been previously published as pathogenic or benign to our knowledge

NM_006231.4(POLE):c.406A>G (p.Lys136Glu)

Gene: POLE (DNA polymerase epsilon, catalytic subunit; minus strand). Cytogenetic location: 12q24.33.
Variant type: single nucleotide variant.
Coding change: c.406A>G on transcript NM_006231.4 (MANE Select); coding-DNA position 406, A replaced by G.
Protein change: p.Lys136Glu; replaces lysine 136 with glutamic acid.
Molecular consequence: missense variant.
Genome position (GRCh38, 1-based): chr12:132,679,971, T>C on the plus strand (A>G on the coding strand, the complement: POLE is on the minus strand). VCF-style: chr12-132679971-T-C. GRCh37 (hg19) VCF-style: chr12-133256557-T-C.
Other names: short protein forms K136E.
Identifiers: ClinVar variation 1312102 (VCV001312102.4), dbSNP rs2136028767, ClinGen allele CA387368035.